The following is an entry in ClinVar:

NM_138694.4(PKHD1):c.1208G>C (p.Ser403Thr)

Gene: PKHD1 (PKHD1 ciliary IPT domain containing fibrocystin/polyductin; minus strand). Cytogenetic location: 6p12.2.
Variant type: single nucleotide variant.
Coding change: c.1208G>C on transcript NM_138694.4 (MANE Select); coding-DNA position 1208, G replaced by C.
Protein change: p.Ser403Thr; replaces serine 403 with threonine.
Molecular consequence: missense variant.
Genome position (GRCh38, 1-based): chr6:52,059,953, C>G on the plus strand (G>C on the coding strand, the complement: PKHD1 is on the minus strand). VCF-style: chr6-52059953-C-G. GRCh37 (hg19) VCF-style: chr6-51924751-C-G.
Other names: c.1208G>C, p.Ser403Thr (NM_170724.3); short protein forms S403T.
Identifiers: ClinVar variation 3731183 (VCV003731183.2).

ClinVar aggregate classification (germline): Uncertain significance (1 of 4 stars; one submission).

Submission:

GeneDx
Classification: Uncertain significance. Last evaluated: 2025-08-05. Review status: criteria provided, single submitter. Criteria: GeneDx Variant Classification Process June 2021. Collection method: clinical testing. Allele origin: germline.
Comment: Not observed at significant frequency in large population cohorts (gnomAD); In silico analysis supports that this missense variant has a deleterious effect on protein structure/function; Has not been previously published as pathogenic or benign to our knowledge